The following is an entry in ClinVar:

ClinVar aggregate classification (germline): Pathogenic. Review status: reviewed by expert panel (3 of 4 stars). 5 submissions from 5 submitters: Pathogenic (1). 4 of the submissions do not count toward it. Last evaluated 2016-09-08.

Conditions:
Hereditary cancer-predisposing syndrome. Also called: Tumor predisposition; Hereditary neoplastic syndrome; Hereditary Cancer Syndrome; Neoplastic Syndromes, Hereditary. Identifiers: Orphanet 140162, MedGen C0027672, MeSH D009386, MONDO:0015356.
Hereditary breast ovarian cancer syndrome. Also called: Hereditary breast and/or ovarian cancer syndrome; Breast and ovarian cancer; Hereditary breast and ovarian cancer syndrome; Hereditary breast and ovarian cancer; Hereditary breast and ovarian cancer syndrome (HBOC); BRCA1- and BRCA2-Associated Hereditary Breast and Ovarian Cancer. Identifiers: Orphanet 145, MedGen C0677776, MeSH D061325, MONDO:0003582. Disease mechanism: loss of function.
Breast-ovarian cancer, familial, susceptibility to, 1 (BROVCA1). Also called: BRCA1 Hereditary Breast and Ovarian Cancer; OVARIAN CANCER, SUSCEPTIBILITY TO. Identifiers: Orphanet 145, MedGen C2676676, MONDO:0011450, OMIM 604370. Disease mechanism: loss of function.

Submissions (5):

Evidence-based Network for the Interpretation of Germline Mutant Alleles (ENIGMA)
Classification: Pathogenic for Breast-ovarian cancer, familial, susceptibility to, 1. Last evaluated: 2016-09-08. Review status: reviewed by expert panel. Criteria: ENIGMA BRCA1/2 Classification Criteria (2015). Collection method: curation. Allele origin: germline.
Comment: Variant allele predicted to encode a truncated non-functional protein.

Ambry Genetics
Classification: Pathogenic for Hereditary cancer-predisposing syndrome. Last evaluated: 2024-09-27. Review status: criteria provided, single submitter. Criteria: Ambry Variant Classification Scheme 2023. Collection method: clinical testing. Allele origin: germline. Not counted in ClinVar's aggregate classification.
Comment: The c.1488delT pathogenic mutation, located in coding exon 9 of the BRCA1 gene, results from a deletion of one nucleotide at nucleotide position 1488, causing a translational frameshift with a predicted alternate stop codon (p.L498Sfs*5). This variant is considered to be rare based on population cohorts in the Genome Aggregation Database (gnomAD). This alteration is expected to result in loss of function by premature protein truncation or nonsense-mediated mRNA decay. As such, this alteration is interpreted as a disease-causing mutation.

Baylor Genetics
Classification: Pathogenic for Breast-ovarian cancer, familial, susceptibility to, 1. Last evaluated: 2023-04-19. Review status: criteria provided, single submitter. Criteria: ACMG Guidelines, 2015. Collection method: clinical testing. Allele origin: unknown. Not counted in ClinVar's aggregate classification.

Labcorp Genetics (formerly Invitae), Labcorp
Classification: Pathogenic for Hereditary breast ovarian cancer syndrome. Last evaluated: 2020-11-04. Review status: criteria provided, single submitter. Criteria: Invitae Variant Classification Sherloc (09022015). Collection method: clinical testing. Allele origin: germline. Not counted in ClinVar's aggregate classification.
Comment: For these reasons, this variant has been classified as Pathogenic. This frameshift has been observed in individual(s) with breast and/or ovarian cancer (PMID: 8880569). ClinVar contains an entry for this variant (Variation ID: 142122). This variant is not present in population databases (ExAC no frequency). This sequence change creates a premature translational stop signal (p.Leu498Serfs*5) in the BRCA1 gene. It is expected to result in an absent or disrupted protein product. Loss-of-function variants in BRCA1 are known to be pathogenic (PMID: 20104584).

Consortium of Investigators of Modifiers of BRCA1/2 (CIMBA), c/o University of Cambridge
Classification: Pathogenic for Breast-ovarian cancer, familial, susceptibility to, 1. Last evaluated: 2015-10-02. Review status: criteria provided, single submitter. Criteria: CIMBA Mutation Classification guidelines May 2016. Collection method: clinical testing. Allele origin: germline. Not counted in ClinVar's aggregate classification.

Literature cited by the submitters: PubMed 8880569 (cited by Labcorp Genetics (formerly Invitae), Labcorp); PubMed 20104584 (cited by Labcorp Genetics (formerly Invitae), Labcorp).

NM_007294.4(BRCA1):c.1488del (p.Leu498fs)

Gene: BRCA1 (BRCA1 DNA repair associated; minus strand). Cytogenetic location: 17q21.31.
Variant type: Deletion.
Coding change: c.1488del on transcript NM_007294.4 (MANE Select); coding-DNA position 1488, one base deleted (T; older notation c.1488delT).
Protein change: p.Leu498fs; shifts the reading frame from leucine 498.
Molecular consequence: frameshift variant. On other transcripts: intron variant (137).
Genome position (GRCh38, 1-based): chr17:43,094,043, A deleted on the plus strand (T on the coding strand, the reverse complement: BRCA1 is on the minus strand). VCF-style (leftmost placement, unchanged base first): chr17-43094042-GA-G. GRCh37 (hg19) VCF-style: chr17-41246059-GA-G.
Other names: c.1488del, p.Leu498fs (NM_001407596.1, NM_001407597.1, NM_001407598.1 and 30 more transcripts); c.1485del, p.Leu497fs (NM_001407610.1, NM_001407611.1, NM_001407612.1 and 22 more transcripts); c.1479del, p.Leu495fs (NM_001407646.1, NM_001407647.1); c.1365del, p.Leu457fs (NM_001407648.1, NM_001407664.1, NM_001407665.1 and 19 more transcripts); c.1362del, p.Leu456fs (NM_001407649.1, NM_001407670.1, NM_001407671.1 and 11 more transcripts); c.1410del, p.Leu472fs (NM_001407653.1, NM_001407654.1, NM_001407655.1 and 4 more transcripts); c.1407del, p.Leu471fs (NM_001407659.1, NM_001407660.1, NM_001407661.1 and 1 more transcripts); c.1347del, p.Leu451fs (NM_001407692.1, NM_001407694.1, NM_001407695.1 and 29 more transcripts); and 40 more; short protein forms L451fs, L498fs, L387fs, L427fs, L431fs, L330fs, L370fs, L371fs.
Identifiers: ClinVar variation 142122 (VCV000142122.19), dbSNP rs587782251, ClinGen allele CA000998.
Genomic context (GRCh38, chr17:43,094,042, plus strand): 5'-AATCCTCAGGATGAAGGCCTGATGTAGGTCTCCTTTTACGCTTTAATTTATTTGTGAGGG[GA>G]CGCTCTTGTATTATCTGTGGCTCAGTAACAAATGCTCCTATAATTAGATTTTCAGTTACA-3'